The following is an entry in ClinVar:

ClinVar aggregate classification (germline): Uncertain significance (1 of 4 stars; one submission).

Conditions:
Autosomal dominant epilepsy with auditory features. Identifiers: Orphanet 101046, MedGen C1838062, MONDO:0010898.

gnomAD v4.1: 1 of 1,612,282 alleles (0.000062%); no homozygotes.

Submission:

Labcorp Genetics (formerly Invitae), Labcorp
Classification: Uncertain significance for Autosomal dominant epilepsy with auditory features. Last evaluated: 2022-11-06. Review status: criteria provided, single submitter. Criteria: Invitae Variant Classification Sherloc (09022015). Collection method: clinical testing. Allele origin: germline.
Comment: In summary, the available evidence is currently insufficient to determine the role of this variant in disease. Therefore, it has been classified as a Variant of Uncertain Significance. Advanced modeling of protein sequence and biophysical properties (such as structural, functional, and spatial information, amino acid conservation, physicochemical variation, residue mobility, and thermodynamic stability) performed at Invitae indicates that this missense variant is not expected to disrupt LGI1 protein function. This variant has not been reported in the literature in individuals affected with LGI1-related conditions. This variant is not present in population databases (gnomAD no frequency). This sequence change replaces glutamine, which is neutral and polar, with glutamic acid, which is acidic and polar, at codon 230 of the LGI1 protein (p.Gln230Glu).

NM_005097.4(LGI1):c.688C>G (p.Gln230Glu)

Gene: LGI1 (leucine rich glioma inactivated 1; plus strand). Cytogenetic location: 10q23.33.
Variant type: single nucleotide variant.
Coding change: c.688C>G on transcript NM_005097.4 (MANE Select); coding-DNA position 688, C replaced by G.
Protein change: p.Gln230Glu; replaces glutamine 230 with glutamic acid.
Molecular consequence: missense variant. On other transcripts: non-coding transcript variant (1).
Genome position (GRCh38, 1-based): chr10:93,793,200, C>G. VCF-style: chr10-93793200-C-G. GRCh37 (hg19) VCF-style: chr10-95552957-C-G.
Other names: c.688C>G, p.Gln230Glu (NM_001308275.2); c.544C>G, p.Gln182Glu (NM_001308276.2); short protein forms Q230E, Q182E.
Identifiers: ClinVar variation 2001844 (VCV002001844.4), dbSNP rs1060502054, ClinGen allele CA377623931.